The following is an entry in ClinVar:

ClinVar aggregate classification (germline): Uncertain significance (1 of 4 stars; one submission).

Conditions:
Familial adenomatous polyposis 1 (FAP1). Also called: FAMILIAL ADENOMATOUS POLYPOSIS 1, ATTENUATED; POLYPOSIS, ADENOMATOUS INTESTINAL. Identifiers: MedGen C2713442, MONDO:0021056, OMIM 175100. Disease mechanism: loss of function.

Submission:

Labcorp Genetics (formerly Invitae), Labcorp
Classification: Uncertain significance for Familial adenomatous polyposis 1. Last evaluated: 2022-05-26. Review status: criteria provided, single submitter. Criteria: Invitae Variant Classification Sherloc (09022015). Collection method: clinical testing. Allele origin: germline.
Comment: In summary, the available evidence is currently insufficient to determine the role of this variant in disease. Therefore, it has been classified as a Variant of Uncertain Significance. Experimental studies and prediction algorithms are not available or were not evaluated, and the functional significance of this variant is currently unknown. This variant has not been reported in the literature in individuals affected with APC-related conditions. This variant is not present in population databases (gnomAD no frequency). This variant occurs in a non-coding region of the APC gene. It does not change the encoded amino acid sequence of the APC protein.

NM_001127511.3(APC):c.9C>G (p.Ala3=)

Gene: APC (APC regulator of Wnt signaling pathway; plus strand). Cytogenetic location: 5q22.2.
Variant type: single nucleotide variant.
Coding change: c.9C>G on transcript NM_001127511.3; coding-DNA position 9, C replaced by G.
Protein change: p.Ala3=; no amino-acid change (alanine 3 retained).
Molecular consequence: synonymous variant. On other transcripts: 5 prime UTR variant (8), non-coding transcript variant (1), intron variant (5).
Genome position (GRCh38, 1-based): chr5:112,707,726, C>G. VCF-style: chr5-112707726-C-G. GRCh37 (hg19) VCF-style: chr5-112043423-C-G.
Other names: c.-175C>G (NM_001354895.2, NM_001407447.1, NM_001407452.1 and 3 more transcripts); c.9C>G, p.Ala3= (NM_001354897.2, NM_001354902.2, NM_001407446.1); c.-1210C>G (NM_001407470.1, NM_001407472.1); c.-19+77C>G (NM_001407448.1, NM_001407450.1, NM_001407457.1 and 1 more transcripts); c.-43+77C>G (NM_001407453.1).
Identifiers: ClinVar variation 1999123 (VCV001999123.4), dbSNP rs1750602563, ClinGen allele CA2580072324.